The following is an entry in ClinVar:

NM_031407.7(HUWE1):c.4561C>T (p.Pro1521Ser)

Gene: HUWE1 (HECT, UBA and WWE domain containing E3 ubiquitin protein ligase 1; minus strand). Cytogenetic location: Xp11.22.
Variant type: single nucleotide variant.
Coding change: c.4561C>T on transcript NM_031407.7 (MANE Select); coding-DNA position 4561, C replaced by T.
Protein change: p.Pro1521Ser; replaces proline 1521 with serine.
Molecular consequence: missense variant.
Genome position (GRCh38, 1-based): chrX:53,588,435, G>A on the plus strand (C>T on the coding strand, the complement: HUWE1 is on the minus strand). VCF-style: chrX-53588435-G-A. GRCh37 (hg19) VCF-style: chrX-53615395-G-A.
Other names: short protein forms P1521S.
Identifiers: ClinVar variation 1305162 (VCV001305162.2), dbSNP rs2148391292, ClinGen allele CA413175998.
Genomic context (GRCh38, chrX:53,588,435, plus strand): 5'-ATCTTACCTCAAAAAGTAGCGTTAAAAGCAAGATTCTAGTAGCCAAATTGGAGGCCTGGG[G>A]CAGTGTGGCCATCTGACTTATCCACTCTGACACGGTTTTTGTGTCACTTGTTGTCAGGGG-3'
Protein context (NP_113584.3, residues 1511-1531): SEWISQMATL[Pro1521Ser]QASNLATRIL

ClinVar aggregate classification (germline): Uncertain significance (1 of 4 stars; one submission).

Submission:

GeneDx
Classification: Uncertain significance. Last evaluated: 2019-04-11. Review status: criteria provided, single submitter. Criteria: GeneDx Variant Classification Process June 2021. Collection method: clinical testing. Allele origin: germline. Affected: yes.
Comment: Not observed in large population cohorts (Lek et al., 2016); In silico analysis, which includes protein predictors and evolutionary conservation, supports that this variant does not alter protein structure/function; Has not been previously published as pathogenic or benign to our knowledge